The following is an entry in ClinVar:

ClinVar aggregate classification (germline): Pathogenic. Review status: criteria provided, single submitter (1 of 4 stars). 2 submissions from 2 submitters: Pathogenic (1). 1 of the submissions does not count toward it.

Conditions:
Cardiomyopathy, dilated, 2D. Identifiers: MedGen C5543535, MONDO:0030300, OMIM 619371.

Submissions (2):

Kasturba Medical College, Manipal, Kasturba Medical College, Manipal, Manipal Academy of Higher Education, Manipal, India
Classification: Pathogenic for Cardiomyopathy, dilated, 2D. Review status: criteria provided, single submitter. Criteria: ACMG Guidelines, 2015. Collection method: research. Allele origin: maternal. Inheritance: Autosomal recessive inheritance. Affected: yes. Observed: 1 homozygote.
Comment: This variant is absent from the gnomAD (v4.1.0) population database and our in-house database of 3,596 exomes. In silico analysis tools (REVEL, CADD_Phred, Mutation Taster) predict the variant to be damaging to RPL3L protein function. A total of 13 individuals from 11 families have been reported to date with RPL3L-related dilated cardiomyopathy. Two individuals from one family were identified with the p.(Asp308Val) variant and four individuals from four unrelated families with the p.(Asp308Asn) variant in the RPL3L gene, all in compound heterozygous state (Ganapathi M et al., 2020; Murphy et al., 2025; VCV001162248.2). Most affected individuals presented within the early neonatal or infantile period, with ages of onset ranging from antenatal life to 9 months of age.

OMIM
Classification: Pathogenic for CARDIOMYOPATHY, DILATED, 2D. Last evaluated: 2021-06-06. Review status: no assertion criteria provided. Collection method: literature only. Allele origin: germline. Not counted in ClinVar's aggregate classification.

Literature cited by the submitters: PMC PMC7519902 (cited by Kasturba Medical College, Manipal, Kasturba Medical College, Manipal, Manipal Academy of Higher Education, Manipal, India); DOI 10.1101/2025.01.02.630345 (cited by Kasturba Medical College, Manipal, Kasturba Medical College, Manipal, Manipal Academy of Higher Education, Manipal, India); PubMed 32514796 (cited by OMIM).

NM_005061.3(RPL3L):c.923A>T (p.Asp308Val)

Gene: RPL3L (ribosomal protein L3 like; minus strand). Cytogenetic location: 16p13.3.
Variant type: single nucleotide variant.
Coding change: c.923A>T on transcript NM_005061.3 (MANE Select); coding-DNA position 923, A replaced by T.
Protein change: p.Asp308Val; replaces aspartic acid 308 with valine.
Molecular consequence: missense variant.
Genome position (GRCh38, 1-based): chr16:1,946,653, T>A on the plus strand (A>T on the coding strand, the complement: RPL3L is on the minus strand). VCF-style: chr16-1946653-T-A. GRCh37 (hg19) VCF-style: chr16-1996654-T-A.
Other names: short protein forms D308V.
Identifiers: ClinVar variation 1162248 (VCV001162248.3), dbSNP rs2150861462, ClinGen allele CA394253518.